The following is an entry in ClinVar:

NM_001372051.1(CASP8):c.920T>G (p.Met307Arg)

Gene: CASP8 (caspase 8; plus strand). Cytogenetic location: 2q33.1.
Variant type: single nucleotide variant.
Coding change: c.920T>G on transcript NM_001372051.1 (MANE Select); coding-DNA position 920, T replaced by G.
Protein change: p.Met307Arg; replaces methionine 307 with arginine.
Molecular consequence: missense variant. On other transcripts: non-coding transcript variant (22), intron variant (1).
Genome position (GRCh38, 1-based): chr2:201,284,933, T>G. VCF-style: chr2-201284933-T-G. GRCh37 (hg19) VCF-style: chr2-202149656-T-G.
Other names: c.875T>G, p.Met292Arg (NM_001400662.1, NM_001400663.1, NM_001400660.1 and 5 more transcripts); c.851T>G, p.Met284Arg (NM_001400664.1); c.1052T>G, p.Met351Arg (NM_001400642.1); c.953T>G, p.Met318Arg (NM_001400645.1); c.920T>G, p.Met307Arg (NM_001400648.1, NM_001400651.1, NM_001400653.1 and 5 more transcripts); c.1097T>G, p.Met366Arg (NM_001080125.2); c.971T>G, p.Met324Arg (NM_001228.5); c.845T>G, p.Met282Arg (NM_001400665.1); and 7 more; short protein forms M102R, M284R, M307R, M318R, M108R, M223R, M238R, M351R.
Identifiers: ClinVar variation 2080126 (VCV002080126.4), dbSNP rs771378462, ClinGen allele CA63892479.

ClinVar aggregate classification (germline): Uncertain significance (1 of 4 stars; one submission).

Conditions:
Autoimmune lymphoproliferative syndrome type 2B. Also called: AUTOIMMUNE LYMPHOPROLIFERATIVE SYNDROME, TYPE IIB. Identifiers: Orphanet 275517, MedGen C1846545, MONDO:0011804, OMIM 607271.

Allele frequency attached by ClinVar (database versions not stated): TOPMed 0.00001.
gnomAD v4.1: 3 of 1,614,072 alleles (0.00019%); highest among the groups gnomAD compares: African/African-American, 0.0027%; no homozygotes.

Submission:

Labcorp Genetics (formerly Invitae), Labcorp
Classification: Uncertain significance for Autoimmune lymphoproliferative syndrome type 2B. Last evaluated: 2022-05-25. Review status: criteria provided, single submitter. Criteria: Invitae Variant Classification Sherloc (09022015). Collection method: clinical testing. Allele origin: germline.
Comment: In summary, the available evidence is currently insufficient to determine the role of this variant in disease. Therefore, it has been classified as a Variant of Uncertain Significance. Algorithms developed to predict the effect of missense changes on protein structure and function output the following: SIFT: "Tolerated"; PolyPhen-2: "Benign"; Align-GVGD: "Class C0". The arginine amino acid residue is found in multiple mammalian species, which suggests that this missense change does not adversely affect protein function. This variant has not been reported in the literature in individuals affected with CASP8-related conditions. This variant is present in population databases (no rsID available, gnomAD 0.003%). This sequence change replaces methionine, which is neutral and non-polar, with arginine, which is basic and polar, at codon 324 of the CASP8 protein (p.Met324Arg).